The following is an entry in ClinVar:

NM_001482.3(GATM):c.985C>G (p.Leu329Val)

Gene: GATM (glycine amidinotransferase; minus strand). Cytogenetic location: 15q21.1.
Variant type: single nucleotide variant.
Coding change: c.985C>G on transcript NM_001482.3 (MANE Select); coding-DNA position 985, C replaced by G.
Protein change: p.Leu329Val; replaces leucine 329 with valine.
Molecular consequence: missense variant.
Genome position (GRCh38, 1-based): chr15:45,364,854, G>C on the plus strand (C>G on the coding strand, the complement: GATM is on the minus strand). VCF-style: chr15-45364854-G-C. GRCh37 (hg19) VCF-style: chr15-45657052-G-C.
Other names: NM_001482.3(GATM):c.985C>G; p.Leu329Val; c.598C>G, p.Leu200Val (NM_001321015.2); short protein forms L329V, L200V.
Identifiers: ClinVar variation 225919 (VCV000225919.5), dbSNP rs373802463, ClinGen allele CA7542807.
Genomic context (GRCh38, chr15:45,364,854, plus strand): 5'-TACCGTCTGGGATGATTGGTGTTGGAGGAGTAATGATAGTCCATCCTGCTTTCTTGAAAA[G>C]ATCAATCTGTAAGACCAAAAAAAACCCCCAAAACCGTTAAATCTACATATACTATTATTA-3'
Protein context (NP_001473.1, residues 319-339): NPDRPCHQID[Leu329Val]FKKAGWTIIT

ClinVar aggregate classification (germline): Uncertain significance. Review status: reviewed by expert panel (3 of 4 stars). 2 submissions from 2 submitters: Uncertain significance (1). 1 of the submissions does not count toward it. Last evaluated 2025-04-11.

Conditions:
Arginine:glycine amidinotransferase deficiency (CCDS3). Also called: L-Arginine:Glycine Amidinotransferase Deficiency; Cerebral creatine deficiency syndrome 3; L-Arginine:Glycine Amidinotransferase (AGAT) Deficiency; AGAT deficiency; Creatine deficiency syndrome due to AGAT deficiency; GATM deficiency. Identifiers: Orphanet 35704, MedGen C2675179, MONDO:0012996, OMIM 612718.

Allele frequency attached by ClinVar (database versions not stated): gnomAD exomes 0.00001; ExAC 0.00002; ESP Exome Variant Server 0.00008.
gnomAD v4.1: 2 of 1,613,794 alleles (0.00012%); highest among the groups gnomAD compares: Non-Finnish European, 0.00017%; no homozygotes.

Submissions (3):

ClinGen Cerebral Creatine Deficiency Syndromes Variant Curation Expert Panel, ClinGen
Classification: Uncertain significance for Arginine:glycine amidinotransferase deficiency. Last evaluated: 2025-04-11. Review status: reviewed by expert panel. Criteria: ClinGen CCDS ACMG Specifications GATM V2.0.0. Collection method: curation. Allele origin: germline. Inheritance: Autosomal recessive inheritance.
Comment: The NM_001482.3:c.985C>G variant in GATM is a missense variant that is predicted to result in the substitution of leucine by valine at position 329 (p.Leu329Val). This variant was reported as a single heterozygous variant in one control individual, and follow-up functional assays (site-directed mutagenesis in HeLa cells) demonstrated that it resulted in <10% of wild-type enzyme activity (PMID: 27233232) (PS3_Supporting). The authors of this report have deposited it in ClinVar (variant ID 225919). The highest population minor allele frequency in gnomAD v4.1.0. is 0.000001695 (2/1179822 alleles) in the European non-Finnish population, which is lower than the ClinGen CCDS VCEP’s threshold for PM2_Supporting (<0.000055), meeting this criterion (PM2_Supporting). The computational predictor REVEL gives a score of 0.04 which is below the threshold of 0.29, evidence that does not predict a damaging effect on AGAT function (BP4). SpliceAI predicts that the variant has no impact on splicing. In summary, this variant meets the criteria to be classified as a variant of uncertain significance for AGAT deficiency. GATM-specific ACMG/AMP criteria applied, as specified by the ClinGen CCDS VCEP (Specifications Version 2.0.0): PS3_Supporting, PM2_Supporting, BP4. (Classification approved by the ClinGen CCDS VCP on April 11, 2025).

Labcorp Genetics (formerly Invitae), Labcorp
Classification: Uncertain significance for Arginine:glycine amidinotransferase deficiency. Last evaluated: 2025-04-13. Review status: criteria provided, single submitter. Criteria: Invitae Variant Classification Sherloc (09022015). Collection method: clinical testing. Allele origin: germline. Not counted in ClinVar's aggregate classification.
Comment: This sequence change replaces leucine, which is neutral and non-polar, with valine, which is neutral and non-polar, at codon 329 of the GATM protein (p.Leu329Val). This variant is present in population databases (rs373802463, gnomAD 0.002%). This variant has not been reported in the literature in individuals affected with GATM-related conditions. ClinVar contains an entry for this variant (Variation ID: 225919). Invitae Evidence Modeling of protein sequence and biophysical properties (such as structural, functional, and spatial information, amino acid conservation, physicochemical variation, residue mobility, and thermodynamic stability) has been performed for this missense variant. However, the output from this modeling did not meet the statistical confidence thresholds required to predict the impact of this variant on GATM protein function. Experimental studies have shown that this missense change affects GATM function (PMID: 27233232). In summary, the available evidence is currently insufficient to determine the role of this variant in disease. Therefore, it has been classified as a Variant of Uncertain Significance.

Hospital for Sick Children
No classification provided (evidence only). Review status: no classification provided. Collection method: in vitro. Allele origin: not applicable. Functional consequence: variation affecting protein function. Not counted in ClinVar's aggregate classification.
ClinVar note: "not provided" was previously submitted as the classification for the variant. However, the classification appeared to be based only on an observation of functional data so it was converted to no classification on 2025-07-30.

Literature cited by the submitters: PubMed 27233232 (cited by Labcorp Genetics (formerly Invitae), Labcorp and Hospital for Sick Children).